The following is an entry in ClinVar:

NM_015168.2(ZC3H4):c.3319G>A (p.Ala1107Thr)

Gene: ZC3H4 (zinc finger CCCH-type containing 4; minus strand). Cytogenetic location: 19q13.32.
Variant type: single nucleotide variant.
Coding change: c.3319G>A on transcript NM_015168.2 (MANE Select); coding-DNA position 3319, G replaced by A.
Protein change: p.Ala1107Thr; replaces alanine 1107 with threonine.
Molecular consequence: missense variant.
Genome position (GRCh38, 1-based): chr19:47,066,949, C>T on the plus strand (G>A on the coding strand, the complement: ZC3H4 is on the minus strand). VCF-style: chr19-47066949-C-T. GRCh37 (hg19) VCF-style: chr19-47570206-C-T.
Other names: short protein forms A1107T.
Identifiers: ClinVar variation 3039780 (VCV003039780.2), dbSNP rs200501790, ClinGen allele CA9534632.

ClinVar aggregate classification (germline): Likely benign (0 of 4 stars; one submission).

Conditions:
ZC3H4-related disorder. Also called: ZC3H4-related condition.

Allele frequency attached by ClinVar (database versions not stated): 1000 Genomes Project 30x 0.00031; ExAC 0.00169.
gnomAD v4.1: 1,762 of 1,593,208 alleles (0.11%); highest among the groups gnomAD compares: South Asian, 0.15%; 2 homozygotes.

Submission:

PreventionGenetics, part of Exact Sciences
Classification: Likely benign for ZC3H4-related condition. Last evaluated: 2022-06-12. Review status: no assertion criteria provided. Collection method: clinical testing. Allele origin: germline.
Comment: This variant is classified as likely benign based on ACMG/AMP sequence variant interpretation guidelines (Richards et al. 2015 PMID: 25741868, with internal and published modifications).